The following is an entry in ClinVar:

NM_033198.4(PIGS):c.363G>T (p.Ser121=)

Gene: PIGS (phosphatidylinositol glycan anchor biosynthesis class S; minus strand). Cytogenetic location: 17q11.2.
Variant type: single nucleotide variant.
Coding change: c.363G>T on transcript NM_033198.4 (MANE Select); coding-DNA position 363, G replaced by T.
Protein change: p.Ser121=; no amino-acid change (serine 121 retained).
Molecular consequence: synonymous variant.
Genome position (GRCh38, 1-based): chr17:28,563,831, C>A on the plus strand (G>T on the coding strand, the complement: PIGS is on the minus strand). VCF-style: chr17-28563831-C-A. GRCh37 (hg19) VCF-style: chr17-26890849-C-A.
Identifiers: ClinVar variation 3905453 (VCV003905453.11).

ClinVar aggregate classification (germline): Likely benign. Review status: criteria provided, multiple submitters, no conflicts (2 of 4 stars). 2 submissions from 2 submitters: Likely benign (2). Last evaluated 2025-05-01.

gnomAD v4.1: 19 of 1,613,620 alleles (0.0012%); highest among the groups gnomAD compares: East Asian, 0.027%; no homozygotes.

Submissions (2):

CeGaT Center for Human Genetics Tuebingen
Classification: Likely benign. Last evaluated: 2025-05-01. Review status: criteria provided, single submitter. Criteria: CeGaT Center For Human Genetics Tuebingen Variant Classification Criteria Version 2. Collection method: clinical testing. Allele origin: germline. Affected: yes. Observed: 1 variant allele.
Comment: PIGS: BP4, BP7

Blueprint Genetics
Classification: Likely benign. Last evaluated: 2024-09-11. Review status: criteria provided, single submitter. Criteria: ACMG Guidelines, 2015. Collection method: clinical testing. Allele origin: germline.